The following is an entry in ClinVar:

NM_001160372.4(TRAPPC9):c.2378A>G (p.Lys793Arg)

Gene: TRAPPC9 (trafficking protein particle complex subunit 9; minus strand). Cytogenetic location: 8q24.3.
Variant type: single nucleotide variant.
Coding change: c.2378A>G on transcript NM_001160372.4 (MANE Select); coding-DNA position 2378, A replaced by G.
Protein change: p.Lys793Arg; replaces lysine 793 with arginine.
Molecular consequence: missense variant. On other transcripts: non-coding transcript variant (1).
Genome position (GRCh38, 1-based): chr8:140,252,830, T>C on the plus strand (A>G on the coding strand, the complement: TRAPPC9 is on the minus strand). VCF-style: chr8-140252830-T-C. GRCh37 (hg19) VCF-style: chr8-141262929-T-C.
Other names: c.2351A>G, p.Lys784Arg (NM_001321646.2); c.2399A>G, p.Lys800Arg (NM_001374682.1); c.2378A>G, p.Lys793Arg (NM_001374683.1, NM_031466.8); c.2234A>G, p.Lys745Arg (NM_001374684.1); short protein forms K745R, K800R, K784R, K793R.
Identifiers: ClinVar variation 1909510 (VCV001909510.5), dbSNP rs761592817, ClinGen allele CA4893117.

ClinVar aggregate classification (germline): Uncertain significance (1 of 4 stars; one submission).

Allele frequency attached by ClinVar (database versions not stated): gnomAD exomes below 0.00001; ExAC 0.00002.
gnomAD v4.1: 7 of 1,613,984 alleles (0.00043%); highest among the groups gnomAD compares: South Asian, 0.0066%; no homozygotes.

Submission:

Labcorp Genetics (formerly Invitae), Labcorp
Classification: Uncertain significance. Last evaluated: 2022-04-10. Review status: criteria provided, single submitter. Criteria: Invitae Variant Classification Sherloc (09022015). Collection method: clinical testing. Allele origin: germline.
Comment: This sequence change replaces lysine, which is basic and polar, with arginine, which is basic and polar, at codon 891 of the TRAPPC9 protein (p.Lys891Arg). This variant is present in population databases (rs761592817, gnomAD 0.01%). This variant has not been reported in the literature in individuals affected with TRAPPC9-related conditions. Algorithms developed to predict the effect of missense changes on protein structure and function are either unavailable or do not agree on the potential impact of this missense change (SIFT: "Not Available"; PolyPhen-2: "Benign"; Align-GVGD: "Not Available"). In summary, the available evidence is currently insufficient to determine the role of this variant in disease. Therefore, it has been classified as a Variant of Uncertain Significance.